The following is an entry in ClinVar:

NM_004946.3(DOCK2):c.3745T>C (p.Trp1249Arg)

Gene: DOCK2 (dedicator of cytokinesis 2; plus strand). Cytogenetic location: 5q35.1.
Variant type: single nucleotide variant.
Coding change: c.3745T>C on transcript NM_004946.3 (MANE Select); coding-DNA position 3745, T replaced by C.
Protein change: p.Trp1249Arg; replaces tryptophan 1249 with arginine.
Molecular consequence: missense variant. On other transcripts: non-coding transcript variant (1).
Genome position (GRCh38, 1-based): chr5:170,041,134, T>C. VCF-style: chr5-170041134-T-C. GRCh37 (hg19) VCF-style: chr5-169468138-T-C.
Other names: c.3745T>C (NM_004946.2); short protein forms W1249R.
Identifiers: ClinVar variation 1371747 (VCV001371747.9), dbSNP rs139639543, ClinGen allele CA3554314.

ClinVar aggregate classification (germline): Uncertain significance. Review status: criteria provided, multiple submitters, no conflicts (2 of 4 stars). 2 submissions from 2 submitters: Uncertain significance (2). Last evaluated 2024-04-23.

Conditions:
Inborn genetic diseases. Identifiers: MedGen C0950123, MeSH D030342.
DOCK2 deficiency. Also called: Immunodeficiency 40. Identifiers: Orphanet 447737, MedGen C4225328, MONDO:0014637, OMIM 616433.

Allele frequency attached by ClinVar (database versions not stated): gnomAD exomes 0.00002 and 0.00001; TOPMed 0.00008; gnomAD 0.00009; 1000 Genomes Project 30x 0.00016; 1000 Genomes Project 0.00020; ExAC 0.00002.
gnomAD v4.1: 20 of 1,614,046 alleles (0.0012%); highest among the groups gnomAD compares: African/African-American, 0.025%; no homozygotes.

Submissions (2):

Ambry Genetics
Classification: Uncertain significance for Inborn genetic diseases. Last evaluated: 2024-04-23. Review status: criteria provided, single submitter. Criteria: Ambry Variant Classification Scheme 2023. Collection method: clinical testing. Allele origin: germline.

Labcorp Genetics (formerly Invitae), Labcorp
Classification: Uncertain significance for DOCK2 deficiency. Last evaluated: 2020-12-11. Review status: criteria provided, single submitter. Criteria: Invitae Variant Classification Sherloc (09022015). Collection method: clinical testing. Allele origin: germline.
Comment: This variant is present in population databases (rs139639543, ExAC 0.02%). In summary, the available evidence is currently insufficient to determine the role of this variant in disease. Therefore, it has been classified as a Variant of Uncertain Significance. Algorithms developed to predict the effect of missense changes on protein structure and function (SIFT, PolyPhen-2, Align-GVGD) all suggest that this variant is likely to be tolerated, but these predictions have not been confirmed by published functional studies and their clinical significance is uncertain. This variant has not been reported in the literature in individuals with DOCK2-related conditions. This sequence change replaces tryptophan with arginine at codon 1249 of the DOCK2 protein (p.Trp1249Arg). The tryptophan residue is moderately conserved and there is a moderate physicochemical difference between tryptophan and arginine.